The following is an entry in ClinVar:

ClinVar aggregate classification (germline): Likely pathogenic (1 of 4 stars; one submission).

Conditions:
Factor XIII, A subunit, deficiency of. Also called: Factor XIII subunit A deficiency. Identifiers: Orphanet 331, MedGen C2750514, MONDO:0013187, OMIM 613225, HP:0040233.

Submission:

Diagnostics Services (NGS), CSIR - Centre For Cellular And Molecular Biology
Classification: Likely pathogenic for Factor XIII, A subunit, deficiency of. Last evaluated: 2023-01-25. Review status: criteria provided, single submitter. Criteria: ACMG Guidelines, 2015. Collection method: clinical testing. Allele origin: germline. Affected: yes. Observed: 1 variant allele, 1 homozygote.
Comment: The c.937G>C variant is not present in publicly available population databases like 1000 Genomes, ExAC, EVS, Indian Exome Database, gnomAD or our in-house exome database. This variant has been previously observed in similarly affected Indian patients [PMID:26852661] and reported to the Human Gene Mutation Database (HGMD ID: CM161511). In silico pathogenicity prediction programs like SIFT, PolyPhen-3, MutationTaster2, CADD, Franklin etc predicted this variant to be likely deleterious, however these predictions were not confirmed by published functional studies.

Literature cited by the submitters: PubMed 26852661.

NM_000129.4(F13A1):c.937G>C (p.Gly313Arg)

Gene: F13A1 (coagulation factor XIII A chain; minus strand). Cytogenetic location: 6p25.1.
Variant type: single nucleotide variant.
Coding change: c.937G>C on transcript NM_000129.4 (MANE Select); coding-DNA position 937, G replaced by C.
Protein change: p.Gly313Arg; replaces glycine 313 with arginine.
Molecular consequence: missense variant.
Genome position (GRCh38, 1-based): chr6:6,224,722, C>G on the plus strand (G>C on the coding strand, the complement: F13A1 is on the minus strand). VCF-style: chr6-6224722-C-G. GRCh37 (hg19) VCF-style: chr6-6224955-C-G.
Other names: short protein forms G313R.
Identifiers: ClinVar variation 2429375 (VCV002429375.3), dbSNP rs2480618246, ClinGen allele CA362739933.